The following is an entry in ClinVar:

NM_000370.3(TTPA):c.552G>A (p.Thr184=)

Gene: TTPA (alpha tocopherol transfer protein; minus strand). Cytogenetic location: 8q12.3.
Variant type: single nucleotide variant.
Coding change: c.552G>A on transcript NM_000370.3 (MANE Select); coding-DNA position 552, G replaced by A.
Protein change: p.Thr184=; no amino-acid change (threonine 184 retained).
Molecular consequence: synonymous variant.
Genome position (GRCh38, 1-based): chr8:63,065,904, C>T on the plus strand (G>A on the coding strand, the complement: TTPA is on the minus strand). VCF-style: chr8-63065904-C-T. GRCh37 (hg19) VCF-style: chr8-63978463-C-T.
Other names: 552G-A.
Identifiers: ClinVar variation 374211 (VCV000374211.19), dbSNP rs181109321, ClinGen allele CA4763214.

ClinVar aggregate classification (germline): Pathogenic/Likely pathogenic. Review status: criteria provided, multiple submitters, no conflicts (2 of 4 stars). 9 submissions from 9 submitters: Pathogenic (2); Likely pathogenic (5). 2 of the submissions do not count toward it. Last evaluated 2026-03-28.

Conditions:
Familial isolated deficiency of vitamin E (AVED). Also called: Ataxia with isolated vitamin E deficiency; ATAXIA, FRIEDREICH-LIKE, WITH SELECTIVE VITAMIN E DEFICIENCY. Identifiers: Orphanet 96, MedGen C1848533, MONDO:0010188, OMIM 277460.
ATAXIA, FRIEDREICH-LIKE, WITH ISOLATED VITAMIN E DEFICIENCY. Identifiers: MedGen C4016662.

Allele frequency attached by ClinVar (database versions not stated): gnomAD exomes 0.00001 and 0.00002; gnomAD 0.00001; ExAC 0.00002; 1000 Genomes Project 30x 0.00016; TOPMed 0.00001; 1000 Genomes Project 0.00020.
gnomAD v4.1: 22 of 1,613,674 alleles (0.0014%); highest among the groups gnomAD compares: East Asian, 0.0045%; no homozygotes.

Submissions (9):

GeneDx
Classification: Pathogenic. Last evaluated: 2026-03-28. Review status: criteria provided, single submitter. Criteria: GeneDx Variant Classification Process June 2021. Collection method: clinical testing. Allele origin: germline.
Comment: RNA studies shows that c.552G>A results in skipping of adjacent exon 3, resulting in a complete splice effect, in a gene for which loss of function is a known mechanism of disease (PMID: 9931538); Not observed at significant frequency in large population cohorts (gnomAD); This variant is associated with the following publications: (PMID: 31589614, 24369383, 9270601, 9931538)

Natera, Inc.
Classification: Likely pathogenic for Ataxia with isolated vitamin E deficiency. Last evaluated: 2024-11-09. Review status: criteria provided, single submitter. Criteria: Natera Variant Classification Schema (03/2026). Collection method: clinical testing. Allele origin: germline.
Comment: The c.552G>A variant in TTPA is a synonymous variant that does not alter the encoded amino acid at position 184 (p.T184=). This variant is rare in the general population with a frequency below the threshold expected for the associated phenotype(s). This variant has been observed in one or more individuals affected with the associated recessive disease, as either homozygous or compound heterozygous with a second variant (PMID: 9270601). Functional studies show that this variant may disrupt protein function (PMID: 9270601). Computational prediction algorithms indicate this variant is likely to affect gene or protein function. Given the available evidence, this variant is classified as Likely Pathogenic.

Labcorp Genetics (formerly Invitae), Labcorp
Classification: Likely pathogenic. Last evaluated: 2024-04-24. Review status: criteria provided, single submitter. Criteria: Invitae Variant Classification Sherloc (09022015). Collection method: clinical testing. Allele origin: germline.
Comment: This sequence change affects codon 184 of the TTPA mRNA. It is a 'silent' change, meaning that it does not change the encoded amino acid sequence of the TTPA protein. RNA analysis indicates that this variant induces altered splicing and may result in an absent or disrupted protein product. This variant is present in population databases (rs181109321, gnomAD 0.004%). This variant has been observed in individuals with TTPA-related conditions (PMID: 9270601, 9931538). ClinVar contains an entry for this variant (Variation ID: 374211). Variants that disrupt the consensus splice site are a relatively common cause of aberrant splicing (PMID: 17576681, 9536098). Studies have shown that this variant results in exon 3 skipping and introduces a premature termination codon (PMID: 9931538). The resulting mRNA is expected to undergo nonsense-mediated decay. In summary, the currently available evidence indicates that the variant is pathogenic, but additional data are needed to prove that conclusively. Therefore, this variant has been classified as Likely Pathogenic.

Women's Health and Genetics/Laboratory Corporation of America, LabCorp
Classification: Pathogenic for Familial isolated deficiency of vitamin E. Last evaluated: 2022-05-17. Review status: criteria provided, single submitter. Criteria: LabCorp Variant Classification Summary - May 2015. Collection method: clinical testing. Allele origin: germline.
Comment: Variant summary: TTPA c.552G>A (p.Thr184Thr) alters a conserved nucleotide located close to a canonical splice site and therefore could affect mRNA splicing, leading to a significantly altered protein sequence. Several computational tools predict a significant impact on normal splicing: One predicts the variant abolishes a 5' splicing donor site, two predict the variant weakens a 5' donor site, and two predict the variant creates a 3' acceptor site. At least two publications report experimental evidence that this variant affects mRNA splicing, producing a shortened mRNA transcript which lacks exon 3 (Tamaru_1997, Schuelke_1999). The mis-splicing is predicted to result in a shift in reading frame and a premature stop codon producing a truncated protein lacking the domains encoded by exons 3 to 5 (Schuelke_1999). The variant allele was found at a frequency of 2e-05 in 251242 control chromosomes. c.552G>A has been reported in the literature in individuals affected with Ataxia With Vitamin E Deficiency (Tamaru_1997, Schuelke_1999). These data indicate that the variant is likely to be associated with disease. Three clinical diagnostic laboratories and one research institution have submitted clinical-significance assessments for this variant to ClinVar after 2014 without evidence for independent evaluation. All classified the variant as likely pathogenic. Based on the evidence outlined above, the variant was classified as pathogenic.

CENTOGENE GmbH and LLC - Guiding Precision Medicine
Classification: Likely pathogenic for Familial isolated deficiency of vitamin E. Last evaluated: 2019-11-28. Review status: criteria provided, single submitter. Criteria: ACMG Guidelines, 2015. Collection method: clinical testing. Allele origin: germline. Affected: yes.

Fulgent Genetics
Classification: Likely pathogenic for Familial isolated deficiency of vitamin E. Last evaluated: 2018-10-31. Review status: criteria provided, single submitter. Criteria: ACMG Guidelines, 2015. Collection method: clinical testing. Allele origin: unknown.

HudsonAlpha Institute for Biotechnology
Classification: Likely pathogenic for Familial isolated deficiency of vitamin E. Last evaluated: 2016-12-08. Review status: criteria provided, single submitter. Criteria: HA_assertions_20161101. Collection method: research. Allele origin: paternal. Affected: yes. Observed: 1 variant allele. Study: CSER-HudsonAlpha.

Genetic Services Laboratory, University of Chicago
Classification: Likely pathogenic. Last evaluated: 2022-08-13. Review status: no assertion criteria provided. Collection method: clinical testing. Allele origin: germline. Affected: yes. Not counted in ClinVar's aggregate classification.
Comment: DNA sequence analysis of the TTPA gene demonstrated a sequence change, c.552G>A, in exon 3 that results in a synonymous amino acid change, p.Thr184Thr, in the apparent homozygous state. This sequence change occurs at the last base of exon 3 and in-silico splice prediction programs predict that this sequence change disrupts the canonical splice donor site at intron 3. RNA studies have demonstrated that this sequence change leads to the creation of an abnormal transcript lacking exon 3, and results in a premature stop codon (PMID: 9270601). This sequence change has been previously described in the homozygous state in individuals with ataxia with isolated vitamin E deficiency (PMID: 9270601, 9931538). This sequence change has been described in the gnomAD database in a total of 5 individuals, which corresponds to a frequency of 0.002% in the overall population (dbSNP rs181109321). Based on these collective evidences, this variant is considered likely pathogenic.

OMIM
Classification: Pathogenic for ATAXIA, FRIEDREICH-LIKE, WITH ISOLATED VITAMIN E DEFICIENCY. Last evaluated: 1999-02-01. Review status: no assertion criteria provided. Collection method: literature only. Allele origin: germline. Not counted in ClinVar's aggregate classification.

Literature cited by the submitters: PubMed 9270601 (cited by 3 submitters); PubMed 9931538 (cited by 3 submitters); PubMed 17576681 (cited by Labcorp Genetics (formerly Invitae), Labcorp); PubMed 9536098 (cited by Labcorp Genetics (formerly Invitae), Labcorp).